The following is an entry in ClinVar:

NM_000548.5(TSC2):c.4352G>T (p.Arg1451Leu)

Gene: TSC2 (TSC complex subunit 2; plus strand). Cytogenetic location: 16p13.3.
Variant type: single nucleotide variant.
Coding change: c.4352G>T on transcript NM_000548.5 (MANE Select); coding-DNA position 4352, G replaced by T.
Protein change: p.Arg1451Leu; replaces arginine 1451 with leucine.
Molecular consequence: missense variant. On other transcripts: non-coding transcript variant (5).
Genome position (GRCh38, 1-based): chr16:2,084,574, G>T. VCF-style: chr16-2084574-G-T. GRCh37 (hg19) VCF-style: chr16-2134575-G-T.
Other names: c.3554G>T, p.Arg1185Leu (NM_001406686.1, NM_001406685.1); c.3551G>T, p.Arg1184Leu (NM_001406687.1, NM_001406688.1); c.2939G>T, p.Arg980Leu (NM_001406689.1); c.2879G>T, p.Arg960Leu (NM_001406690.1); c.2876G>T, p.Arg959Leu (NM_001406691.1); c.2810G>T, p.Arg937Leu (NM_001406692.1, NM_001406693.1, NM_001406694.1); c.2807G>T, p.Arg936Leu (NM_001406695.1, NM_001406696.1, NM_001406697.1); c.2549G>T, p.Arg850Leu (NM_001406698.1); and 26 more; short protein forms R1184L, R1207L, R1228L, R1231L, R1336L, R1348L, R1379L, R1384L.
Identifiers: ClinVar variation 5031354 (VCV005031354.1).

ClinVar aggregate classification (germline): Uncertain significance (1 of 4 stars; one submission).

Conditions:
Hereditary cancer-predisposing syndrome. Also called: Neoplastic Syndromes, Hereditary; Tumor predisposition; Hereditary neoplastic syndrome; Hereditary Cancer Syndrome. Identifiers: Orphanet 140162, MedGen C0027672, MeSH D009386, MONDO:0015356.

Submission:

Ambry Genetics
Classification: Uncertain significance for Hereditary cancer-predisposing syndrome. Last evaluated: 2026-07-07. Review status: criteria provided, single submitter. Criteria: Ambry Variant Classification Scheme 2023. Collection method: clinical testing. Allele origin: germline.
Comment: The p.R1451L variant (also known as c.4352G>T), located in coding exon 33 of the TSC2 gene, results from a G to T substitution at nucleotide position 4352. The arginine at codon 1451 is replaced by leucine, an amino acid with dissimilar properties. This amino acid position is conserved. In addition, the in silico prediction for this alteration is inconclusive. Based on the available evidence, the clinical significance of this variant remains unclear.